The following is an entry in ClinVar:

NM_000316.3(PTH1R):c.809C>A (p.Pro270Gln)

Gene: PTH1R (parathyroid hormone 1 receptor; plus strand). Cytogenetic location: 3p21.31.
Variant type: single nucleotide variant.
Coding change: c.809C>A on transcript NM_000316.3 (MANE Select); coding-DNA position 809, C replaced by A.
Protein change: p.Pro270Gln; replaces proline 270 with glutamine.
Molecular consequence: missense variant.
Genome position (GRCh38, 1-based): chr3:46,898,832, C>A. VCF-style: chr3-46898832-C-A. GRCh37 (hg19) VCF-style: chr3-46940322-C-A.
Other names: c.809C>A, p.Pro270Gln (NM_001184744.1); short protein forms P270Q.
Identifiers: ClinVar variation 2852877 (VCV002852877.3), dbSNP rs200224936, ClinGen allele CA352497492.

ClinVar aggregate classification (germline): Uncertain significance (1 of 4 stars; one submission).

Submission:

Labcorp Genetics (formerly Invitae), Labcorp
Classification: Uncertain significance. Last evaluated: 2023-06-11. Review status: criteria provided, single submitter. Criteria: Invitae Variant Classification Sherloc (09022015). Collection method: clinical testing. Allele origin: germline.
Comment: This sequence change replaces proline, which is neutral and non-polar, with glutamine, which is neutral and polar, at codon 270 of the PTH1R protein (p.Pro270Gln). This variant is not present in population databases (gnomAD no frequency). This variant has not been reported in the literature in individuals affected with PTH1R-related conditions. Advanced modeling of protein sequence and biophysical properties (such as structural, functional, and spatial information, amino acid conservation, physicochemical variation, residue mobility, and thermodynamic stability) performed at Invitae indicates that this missense variant is not expected to disrupt PTH1R protein function. In summary, the available evidence is currently insufficient to determine the role of this variant in disease. Therefore, it has been classified as a Variant of Uncertain Significance.